The following is an entry in ClinVar:

NM_004364.5(CEBPA):c.733_736del (p.Gly245fs)

Gene: CEBPA (CCAAT enhancer binding protein alpha; minus strand). Cytogenetic location: 19q13.11.
Variant type: Deletion.
Coding change: c.733_736del on transcript NM_004364.5 (MANE Select); coding-DNA positions 733 to 736, 4 bases deleted (GGCC; older notation c.733_736delGGCC).
Protein change: p.Gly245fs; shifts the reading frame from glycine 245.
Molecular consequence: frameshift variant.
Genome position (GRCh38, 1-based): chr19:33,301,679-33,301,682, GGCC deleted on the plus strand (GGCC on the coding strand, the reverse complement: CEBPA is on the minus strand); deleting any 4 consecutive bases within chr19:33,301,679-33,301,685 gives the same sequence; the c. name uses the placement nearest the transcript's 3' end. VCF-style (leftmost placement, unchanged base first): chr19-33301678-AGGCC-A. GRCh37 (hg19) VCF-style: chr19-33792584-AGGCC-A.
Other names: c.376_379del, p.Gly126fs (NM_001285829.2); c.838_841del, p.Gly280fs (NM_001287424.2); c.691_694del, p.Gly231fs (NM_001287435.2); c.733_736delGGCC (NM_004364.3); short protein forms G126fs, G231fs, G245fs, G280fs.
Identifiers: ClinVar variation 4868685 (VCV004868685.1).

ClinVar aggregate classification (germline): Uncertain significance (1 of 4 stars; one submission).

Conditions:
Inborn genetic diseases. Identifiers: MedGen C0950123, MeSH D030342.

Submission:

Ambry Genetics
Classification: Uncertain significance for Inborn genetic diseases. Last evaluated: 2026-05-27. Review status: criteria provided, single submitter. Criteria: Ambry Variant Classification Scheme 2023. Collection method: clinical testing. Allele origin: germline.
Comment: The c.733_736delGGCC variant, located in coding exon 1 of the CEBPA gene, results from a deletion of 4 nucleotides at nucleotide positions 733 to 736, causing a translational frameshift with a predicted alternate stop codon (p.G245Cfs*72). Premature termination codons are typically deleterious in nature; however, because CEBPA is a single-exon gene, this alteration is not expected to trigger nonsense-mediated mRNA decay, and an altered protein could still be expressed (Maquat LE. Nat Rev Mol Cell Biol, 2004 Feb;5:89-99). This alteration impacts the last 12% of the protein. This shortened protein is unlikely to be functional. However, loss of function of CEBPA has not been established as a mechanism of disease. Based on the available evidence, the clinical significance of this variant remains unclear.